The following is an entry in ClinVar:

ClinVar aggregate classification (germline): Pathogenic (1 of 4 stars; one submission).

Allele frequency attached by ClinVar (database versions not stated): TOPMed 0.00001.

Submission:

Labcorp Genetics (formerly Invitae), Labcorp
Classification: Pathogenic. Last evaluated: 2023-03-18. Review status: criteria provided, single submitter. Criteria: Invitae Variant Classification Sherloc (09022015). Collection method: clinical testing. Allele origin: germline.
Comment: For these reasons, this variant has been classified as Pathogenic. This premature translational stop signal has been observed in individual(s) with clinical features of autosomal recessive epidermolysis bullosa (PMID: 33393081). This variant is not present in population databases (gnomAD no frequency). This sequence change creates a premature translational stop signal (p.Cys458*) in the COL17A1 gene. It is expected to result in an absent or disrupted protein product. Loss-of-function variants in COL17A1 are known to be pathogenic (PMID: 16473856, 17344927, 20301304, 21357940, 24319098).

Literature cited by the submitters: PubMed 33393081; PubMed 16473856; PubMed 17344927; PubMed 20301304; PubMed 21357940; PubMed 24319098.

NM_000494.4(COL17A1):c.1374C>A (p.Cys458Ter)

Gene: COL17A1 (collagen type XVII alpha 1 chain; minus strand). Cytogenetic location: 10q25.1.
Variant type: single nucleotide variant.
Coding change: c.1374C>A on transcript NM_000494.4 (MANE Select); coding-DNA position 1374, C replaced by A.
Protein change: p.Cys458Ter; replaces cysteine 458 with a stop codon.
Molecular consequence: nonsense.
Genome position (GRCh38, 1-based): chr10:104,057,066, G>T on the plus strand (C>A on the coding strand, the complement: COL17A1 is on the minus strand). VCF-style: chr10-104057066-G-T. GRCh37 (hg19) VCF-style: chr10-105816824-G-T.
Other names: short protein forms C458*.
Identifiers: ClinVar variation 3006617 (VCV003006617.3), dbSNP rs778075301, ClinGen allele CA212420868.